The following is an entry in ClinVar:

NM_152703.5(SAMD9L):c.3232T>G (p.Phe1078Val)

Gene: SAMD9L (sterile alpha motif domain containing 9 like; minus strand). Cytogenetic location: 7q21.2.
Variant type: single nucleotide variant.
Coding change: c.3232T>G on transcript NM_152703.5 (MANE Select); coding-DNA position 3232, T replaced by G.
Protein change: p.Phe1078Val; replaces phenylalanine 1078 with valine.
Molecular consequence: missense variant.
Genome position (GRCh38, 1-based): chr7:93,132,740, A>C on the plus strand (T>G on the coding strand, the complement: SAMD9L is on the minus strand). VCF-style: chr7-93132740-A-C. GRCh37 (hg19) VCF-style: chr7-92762053-A-C.
Other names: c.3232T>G, p.Phe1078Val (NM_001303496.3, NM_001303497.3, NM_001303498.3 and 5 more transcripts); short protein forms F1078V.
Identifiers: ClinVar variation 2779625 (VCV002779625.3), dbSNP rs2535414074, ClinGen allele CA368184056.

ClinVar aggregate classification (germline): Uncertain significance (1 of 4 stars; one submission).

Submission:

Labcorp Genetics (formerly Invitae), Labcorp
Classification: Uncertain significance. Last evaluated: 2023-04-18. Review status: criteria provided, single submitter. Criteria: Invitae Variant Classification Sherloc (09022015). Collection method: clinical testing. Allele origin: germline.
Comment: Advanced modeling of protein sequence and biophysical properties (such as structural, functional, and spatial information, amino acid conservation, physicochemical variation, residue mobility, and thermodynamic stability) performed at Invitae indicates that this missense variant is expected to disrupt SAMD9L protein function. This variant has not been reported in the literature in individuals affected with SAMD9L-related conditions. This variant is not present in population databases (gnomAD no frequency). This sequence change replaces phenylalanine, which is neutral and non-polar, with valine, which is neutral and non-polar, at codon 1078 of the SAMD9L protein (p.Phe1078Val). In summary, the available evidence is currently insufficient to determine the role of this variant in disease. Therefore, it has been classified as a Variant of Uncertain Significance.